The following is an entry in ClinVar:

NM_001365902.3(NFIX):c.142_147delinsTGTCA (p.Met48fs)

Gene: NFIX (nuclear factor I X; plus strand). Cytogenetic location: 19p13.13.
Variant type: Indel.
Coding change: c.142_147delinsTGTCA on transcript NM_001365902.3 (MANE Select); coding-DNA positions 142 to 147, ATGTCG replaced by TGTCA.
Protein change: p.Met48fs; shifts the reading frame from methionine 48.
Molecular consequence: frameshift variant. On other transcripts: initiator codon variant (1).
Genome position (GRCh38, 1-based): chr19:13,025,135-13,025,140, ATGTCG replaced by TGTCA. VCF-style: chr19-13025135-ATGTCG-TGTCA. GRCh37 (hg19) VCF-style: chr19-13135949-ATGTCG-TGTCA.
Other names: c.166_171delinsTGTCA, p.Met56fs (NM_001271043.2); c.118_123delinsTGTCA, p.Met40fs (NM_001271044.3, NM_001378404.1); c.142_147delinsTGTCA, p.Met48fs (NM_001365982.2, NM_002501.4); c.1_6delinsTGTCA, p.Met1fs (NM_001365983.2); c.139_144delinsTGTCA, p.Met47fs (NM_001365984.2, NM_001365985.2); c.190_195delinsTGTCA, p.Met64fs (NM_001378405.1); short protein forms M1fs, M40fs, M47fs, M48fs, M56fs, M64fs.
Identifiers: ClinVar variation 3896165 (VCV003896165.2).

ClinVar aggregate classification (germline): Pathogenic (1 of 4 stars; one submission).

Conditions:
Malan overgrowth syndrome (MALNS). Also called: MALAN SYNDROME; NFIX-Related Malan Syndrome; Sotos syndrome 2. Identifiers: Orphanet 420179, MedGen C3553660, MONDO:0013885, OMIM 614753.

Submission:

Women's Health and Genetics/Laboratory Corporation of America, LabCorp
Classification: Pathogenic for Malan overgrowth syndrome. Last evaluated: 2025-04-21. Review status: criteria provided, single submitter. Criteria: LabCorp Variant Classification Summary - May 2015. Collection method: clinical testing. Allele origin: germline.
Comment: Variant summary: NFIX c.142_147delinsTGTCA (p.Met48CysfsX9) results in a premature termination codon, predicted to cause a truncation of the encoded protein or absence of the protein due to nonsense mediated decay, which are commonly known mechanisms for disease. The variant was absent in 251262 control chromosomes. To our knowledge, no occurrence of c.142_147delinsTGTCA in individuals affected with Sotos Syndrome 2 and no experimental evidence demonstrating its impact on protein function have been reported. However, a similar variant, c.142del (p.Met48Cysfs*9) has been reported de novo in an individual affected with Malan syndrome (Priolo_2018, PMID: 29897170). No submitters have cited clinical-significance assessments for this variant to ClinVar. Based on the evidence outlined above, the variant was classified as pathogenic.